The following is an entry in ClinVar:

NC_000006.11:g.(?_51483869)_(51949741_?)del

Gene: PKHD1 (PKHD1 ciliary IPT domain containing fibrocystin/polyductin; minus strand). Cytogenetic location: 6p12.3-12.2.
Variant type: Deletion.
Identifiers: ClinVar variation 1459816 (VCV001459816.1).

ClinVar aggregate classification (germline): Pathogenic (1 of 4 stars; one submission).

Conditions:
Autosomal recessive polycystic kidney disease (ARPKD). Also called: AR polycystic kidney disease. Identifiers: Orphanet 731, Orphanet 8378, MedGen C0085548, MeSH D017044, MONDO:0009889.

Submission:

Labcorp Genetics (formerly Invitae), Labcorp
Classification: Pathogenic for Autosomal recessive polycystic kidney disease. Last evaluated: 2021-01-16. Review status: criteria provided, single submitter. Criteria: Invitae Variant Classification Sherloc (09022015). Collection method: clinical testing. Allele origin: germline.
Comment: A gross deletion of the genomic region encompassing the full coding sequence of the PKHD1 gene has been identified. Loss-of-function variants in PKHD1 are known to be pathogenic (PMID: 19940839). The boundaries of this event are unknown as they extend beyond the assayed region for this gene and therefore may encompass additional genes. This variant has not been reported in the literature in individuals with PKHD1-related conditions. For these reasons, this variant has been classified as Pathogenic.

Literature cited by the submitters: PubMed 19940839.